The following is an entry in ClinVar:

ClinVar aggregate classification (germline): Uncertain significance (1 of 4 stars; one submission).

Conditions:
Chédiak-Higashi syndrome (CHS). Also called: Chediak-Higashi Syndrome. Identifiers: Orphanet 167, MedGen C0007965, MONDO:0008963, OMIM 214500.

Submission:

Labcorp Genetics (formerly Invitae), Labcorp
Classification: Uncertain significance for Chédiak-Higashi syndrome. Last evaluated: 2023-12-11. Review status: criteria provided, single submitter. Criteria: Invitae Variant Classification Sherloc (09022015). Collection method: clinical testing. Allele origin: germline.
Comment: This sequence change replaces histidine, which is basic and polar, with tyrosine, which is neutral and polar, at codon 123 of the LYST protein (p.His123Tyr). This variant is not present in population databases (gnomAD no frequency). This variant has not been reported in the literature in individuals affected with LYST-related conditions. ClinVar contains an entry for this variant (Variation ID: 2200971). Advanced modeling of protein sequence and biophysical properties (such as structural, functional, and spatial information, amino acid conservation, physicochemical variation, residue mobility, and thermodynamic stability) performed at Invitae indicates that this missense variant is not expected to disrupt LYST protein function with a negative predictive value of 80%. In summary, the available evidence is currently insufficient to determine the role of this variant in disease. Therefore, it has been classified as a Variant of Uncertain Significance.

NM_000081.4(LYST):c.367C>T (p.His123Tyr)

Gene: LYST (lysosomal trafficking regulator; minus strand). Cytogenetic location: 1q42.3.
Variant type: single nucleotide variant.
Coding change: c.367C>T on transcript NM_000081.4 (MANE Select); coding-DNA position 367, C replaced by T.
Protein change: p.His123Tyr; replaces histidine 123 with tyrosine.
Molecular consequence: missense variant.
Genome position (GRCh38, 1-based): chr1:235,810,451, G>A on the plus strand (C>T on the coding strand, the complement: LYST is on the minus strand). VCF-style: chr1-235810451-G-A. GRCh37 (hg19) VCF-style: chr1-235973751-G-A.
Other names: c.367C>T, p.His123Tyr (NM_001301365.1); short protein forms H123Y.
Identifiers: ClinVar variation 2200971 (VCV002200971.4), dbSNP rs2527132957, ClinGen allele CA344965365.